The following is an entry in ClinVar:

NM_024675.4(PALB2):c.1914_1929del (p.Phe638fs)

Gene: PALB2 (partner and localizer of BRCA2; minus strand). Cytogenetic location: 16p12.2.
Variant type: Deletion.
Coding change: c.1914_1929del on transcript NM_024675.4 (MANE Select); coding-DNA positions 1914 to 1929, 16 bases deleted (TGAGTCAAAAATGTTT).
Protein change: p.Phe638fs; shifts the reading frame from phenylalanine 638.
Molecular consequence: frameshift variant.
Genome position (GRCh38, 1-based): chr16:23,630,225-23,630,240, AAACATTTTTGACTCA deleted on the plus strand (TGAGTCAAAAATGTTT on the coding strand, the reverse complement: PALB2 is on the minus strand); deleting any 16 consecutive bases within chr16:23,630,225-23,630,242 gives the same sequence; the c. name uses the placement nearest the transcript's 3' end. VCF-style (leftmost placement, unchanged base first): chr16-23630224-CAAACATTTTTGACTCA-C. GRCh37 (hg19) VCF-style: chr16-23641545-CAAACATTTTTGACTCA-C.
Other names: c.1914_1929del16 (NM_024675.3); short protein forms F638fs.
Identifiers: ClinVar variation 186818 (VCV000186818.5), dbSNP rs786203244, ClinGen allele CA195964.

ClinVar aggregate classification (germline): Pathogenic (1 of 4 stars; one submission).

Conditions:
Hereditary cancer-predisposing syndrome. Also called: Neoplastic Syndromes, Hereditary; Tumor predisposition; Hereditary Cancer Syndrome; Hereditary neoplastic syndrome. Identifiers: Orphanet 140162, MedGen C0027672, MeSH D009386, MONDO:0015356.

Submission:

Ambry Genetics
Classification: Pathogenic for Hereditary cancer-predisposing syndrome. Last evaluated: 2014-10-23. Review status: criteria provided, single submitter. Criteria: Ambry Variant Classification Scheme 2023. Collection method: clinical testing. Allele origin: germline.
Comment: The c.1914_1929del16 pathogenic mutation, located in coding exon 5 of the PALB2 gene, results from a deletion of 16 nucleotides between nucleotide positions 1914 and 1929, causing a translational frameshift with a predicted alternate stop codon. Since frameshifts are typically deleterious in nature, this alteration is interpreted as a disease-causing mutation (ACMG Recommendations for Standards for Interpretation and Reporting of Sequence Variations. Revision 2007. Genet Med. 2008;10:294).